The following is an entry in ClinVar:

NM_000138.5(FBN1):c.6099A>G (p.Glu2033=)

Gene: FBN1 (fibrillin 1; minus strand). Cytogenetic location: 15q21.1.
Variant type: single nucleotide variant.
Coding change: c.6099A>G on transcript NM_000138.5 (MANE Select); coding-DNA position 6099, A replaced by G.
Protein change: p.Glu2033=; no amino-acid change (glutamic acid 2033 retained).
Molecular consequence: synonymous variant.
Genome position (GRCh38, 1-based): chr15:48,441,785, T>C on the plus strand (A>G on the coding strand, the complement: FBN1 is on the minus strand). VCF-style: chr15-48441785-T-C. GRCh37 (hg19) VCF-style: chr15-48733982-T-C.
Identifiers: ClinVar variation 457241 (VCV000457241.13), dbSNP rs1397665480, ClinGen allele CA490021594.
Genomic context (GRCh38, chr15:48,441,785, plus strand): 5'-GCACCTTCTTCCACTGGAGGACAAGGAAAACCCTTCTGGACACAGACATTTGAAGCTGCC[T>C]TCAGTGTTACTGCATGTGCCCAGGGCACAAATTTCTGGCTCTTCGACACACTCATCAATA-3'
Protein context (NP_000129.3, residues 2023-2043): ICALGTCSNT[Glu2033=]GSFKCLCPEG

ClinVar aggregate classification (germline): Likely benign. Review status: criteria provided, multiple submitters, no conflicts (2 of 4 stars). 3 submissions from 3 submitters: Likely benign (3). Last evaluated 2023-03-23.

Conditions:
Marfan syndrome (MFS). Also called: MARFAN SYNDROME, TYPE I; FBN1-Related Marfan Syndrome; Marfan syndrome type 1; Marfan's syndrome; Marfan syndrome, classic. Identifiers: Orphanet 284963, Orphanet 558, MedGen C0024796, MONDO:0007947, OMIM 154700.
Familial thoracic aortic aneurysm and aortic dissection (TAAD). Also called: Thoracic aortic aneurysms and dissections. Identifiers: Orphanet 91387, MedGen C4707243, MONDO:0019625.

Allele frequency attached by ClinVar (database versions not stated): TOPMed 0.00001; gnomAD exomes below 0.00001; gnomAD 0.00001.
gnomAD v4.1: 2 of 1,613,576 alleles (0.00012%); highest among the groups gnomAD compares: Non-Finnish European, 0.00017%; no homozygotes.

Submissions (3):

All of Us Research Program, National Institutes of Health
Classification: Likely benign for Marfan syndrome. Last evaluated: 2023-03-23. Review status: criteria provided, single submitter. Criteria: ACMG Guidelines, 2015. Collection method: clinical testing. Allele origin: germline. Inheritance: Autosomal dominant inheritance. Observed: 1 variant allele, 1 heterozygote.
Comment: This study involves interpretation of variants in research participants for the purpose of population health screening. Participant phenotype was not available at the time of variant classification. Additional details can be found in publication PMID: 35346344, PMCID: PMC8962531

Labcorp Genetics (formerly Invitae), Labcorp
Classification: Likely benign for Marfan syndrome; Familial thoracic aortic aneurysm and aortic dissection. Last evaluated: 2023-02-19. Review status: criteria provided, single submitter. Criteria: Invitae Variant Classification Sherloc (09022015). Collection method: clinical testing. Allele origin: germline.

Color Diagnostics, LLC DBA Color Health
Classification: Likely benign for Familial thoracic aortic aneurysm and aortic dissection. Last evaluated: 2019-01-31. Review status: criteria provided, single submitter. Criteria: ACMG Guidelines, 2015. Collection method: clinical testing. Allele origin: germline.